The following is an entry in ClinVar:

NM_000125.4(ESR1):c.453-9del

Gene: ESR1 (estrogen receptor 1; plus strand). Cytogenetic location: 6q25.1.
Variant type: Deletion.
Coding change: c.453-9del on transcript NM_000125.4 (MANE Select); 9 bases into the intron before coding-DNA position 453, one base deleted (T; older notation c.453-9delT).
Molecular consequence: intron variant.
Genome position (GRCh38, 1-based): chr6:151,842,588, T deleted; the last of 7 consecutive T bases (chr6:151,842,582-151,842,588); deleting any one gives the same sequence. VCF-style (leftmost placement, unchanged base first): chr6-151842581-GT-G. GRCh37 (hg19) VCF-style: chr6-152163716-GT-G.
Other names: NC_000006.11:g.152163723del; c.453-9del (NM_001385568.1, NM_001122742.2, NM_001385570.1 and 7 more transcripts); c.-67-9del (NM_001328100.2).
Identifiers: ClinVar variation 3053378 (VCV003053378.3), dbSNP rs59849288, ClinGen allele CA4052210.
Genomic context (GRCh38, chr6:151,842,581, plus strand): 5'-GGATCTGCTGCATCTCCCAGAGAGTGCATGTTTTGCTTTTCTAATGTTAATGGATTTACT[GT>G]TTTTTTCCCCCCAGGCCAAATTCAGATAATCGACGCCAGGGTGGCAGAGAAAGATTGGCC-3'

ClinVar aggregate classification (germline): Benign (0 of 4 stars; one submission).

Conditions:
ESR1-related disorder. Also called: ESR1-related condition.

Submissions (2):

PreventionGenetics, part of Exact Sciences
Classification: Benign for ESR1-related condition. Last evaluated: 2019-08-19. Review status: no assertion criteria provided. Collection method: clinical testing. Allele origin: germline.
Comment: This variant is classified as benign based on ACMG/AMP sequence variant interpretation guidelines (Richards et al. 2015 PMID: 25741868, with internal and published modifications).

Dr. Peter K. Rogan Lab, Western University
No classification provided (evidence only). Condition: Familial pancreatic carcinoma. Review status: no classification provided. Collection method: in vitro. Allele origin: not applicable. Functional consequence: retained intron. Not counted in ClinVar's aggregate classification.